The following is an entry in ClinVar:

NM_001130144.3(LTBP3):c.3706G>A (p.Val1236Met)

Gene: LTBP3 (latent transforming growth factor beta binding protein 3; minus strand). Cytogenetic location: 11q13.1.
Variant type: single nucleotide variant.
Coding change: c.3706G>A on transcript NM_001130144.3 (MANE Select); coding-DNA position 3706, G replaced by A.
Protein change: p.Val1236Met; replaces valine 1236 with methionine.
Molecular consequence: missense variant.
Genome position (GRCh38, 1-based): chr11:65,539,382, C>T on the plus strand (G>A on the coding strand, the complement: LTBP3 is on the minus strand). VCF-style: chr11-65539382-C-T. GRCh37 (hg19) VCF-style: chr11-65306853-C-T.
Other names: c.3214G>A, p.Val1072Met (NM_001164266.1); c.3565G>A, p.Val1189Met (NM_021070.4); c.3706G>A (NM_001130144.2); short protein forms V1189M, V1236M, V1072M.
Identifiers: ClinVar variation 3690134 (VCV003690134.3).

ClinVar aggregate classification (germline): Uncertain significance. Review status: criteria provided, multiple submitters, no conflicts (2 of 4 stars). 2 submissions from 2 submitters: Uncertain significance (2). Last evaluated 2025-02-24.

Conditions:
Inborn genetic diseases. Identifiers: MedGen C0950123, MeSH D030342.
Brachyolmia-amelogenesis imperfecta syndrome. Also called: PLATYSPONDYLY WITH AMELOGENESIS IMPERFECTA; Tooth agenesis, selective, 6; Dental anomalies and short stature. Identifiers: Orphanet 2899, MedGen C1832594, MONDO:0011018, OMIM 601216. Disease mechanism: loss of function.

Submissions (2):

Ambry Genetics
Classification: Uncertain significance for Inborn genetic diseases. Last evaluated: 2025-02-24. Review status: criteria provided, single submitter. Criteria: Ambry Variant Classification Scheme 2023. Collection method: clinical testing. Allele origin: germline.

Labcorp Genetics (formerly Invitae), Labcorp
Classification: Uncertain significance for Brachyolmia-amelogenesis imperfecta syndrome. Last evaluated: 2024-12-04. Review status: criteria provided, single submitter. Criteria: Invitae Variant Classification Sherloc (09022015). Collection method: clinical testing. Allele origin: germline.
Comment: This sequence change replaces valine, which is neutral and non-polar, with methionine, which is neutral and non-polar, at codon 1236 of the LTBP3 protein (p.Val1236Met). This variant is not present in population databases (gnomAD no frequency). This variant has not been reported in the literature in individuals affected with LTBP3-related conditions. An algorithm developed to predict the effect of missense changes on protein structure and function (PolyPhen-2) suggests that this variant is likely to be disruptive. In summary, the available evidence is currently insufficient to determine the role of this variant in disease. Therefore, it has been classified as a Variant of Uncertain Significance.